The following is an entry in ClinVar:

ClinVar aggregate classification (germline): Uncertain significance (1 of 4 stars; one submission).

gnomAD v4.1: 2 of 1,483,660 alleles (0.00013%); highest among the groups gnomAD compares: Non-Finnish European, 0.00018%; no homozygotes.

Submission:

GeneDx
Classification: Uncertain significance. Last evaluated: 2024-12-15. Review status: criteria provided, single submitter. Criteria: GeneDx Variant Classification Process June 2021. Collection method: clinical testing. Allele origin: germline. Affected: yes.
Comment: Not observed at significant frequency in large population cohorts (gnomAD); In silico analysis indicates that this missense variant does not alter protein structure/function; Has not been previously published as pathogenic or benign to our knowledge

NM_002397.5(MEF2C):c.1100G>A (p.Gly367Glu)

Gene: MEF2C (myocyte enhancer factor 2C; minus strand). Cytogenetic location: 5q14.3.
Variant type: single nucleotide variant.
Coding change: c.1100G>A on transcript NM_002397.5 (MANE Select); coding-DNA position 1100, G replaced by A.
Protein change: p.Gly367Glu; replaces glycine 367 with glutamic acid.
Molecular consequence: missense variant.
Genome position (GRCh38, 1-based): chr5:88,728,493, C>T on the plus strand (G>A on the coding strand, the complement: MEF2C is on the minus strand). VCF-style: chr5-88728493-C-T. GRCh37 (hg19) VCF-style: chr5-88024310-C-T.
Other names: c.1070G>A, p.Gly357Glu (NM_001131005.2, NM_001364343.2, NM_001364352.2); c.1130G>A, p.Gly377Glu (NM_001193347.1, NM_001364338.2); c.932G>A, p.Gly311Glu (NM_001193348.1); c.956G>A, p.Gly319Glu (NM_001193349.3, NM_001364332.2, NM_001364344.2 and 2 more transcripts); c.1100G>A, p.Gly367Glu (NM_001193350.2, NM_001363581.2, NM_001364329.2 and 9 more transcripts); c.1076G>A, p.Gly359Glu (NM_001308002.3, NM_001364333.2, NM_001364339.2 and 6 more transcripts); c.722G>A, p.Gly241Glu (NM_001364353.2, NM_001364356.2); c.650G>A, p.Gly217Glu (NM_001364357.2); short protein forms G217E, G241E, G311E, G319E, G357E, G359E, G367E, G377E.
Identifiers: ClinVar variation 3902911 (VCV003902911.1).
Genomic context (GRCh38, chr5:88,728,493, plus strand): 5'-CTGTCATTTGTTTTTCAAAATACATTCTAAAATTATATTATAAAAAATAATATTGCTTAC[C>T]CCAACTGACTGAGGGCAGATGGTGGCATGTTATGTAGGTGTTGCTGTTGCCAGCCAGTTA-3'
Protein context (NP_002388.2, residues 357-377): NMPPSALSQL[Gly367Glu]ACTSTHLSQS